The following is an entry in ClinVar:

ClinVar aggregate classification (germline): Uncertain significance. Review status: criteria provided, multiple submitters, no conflicts (2 of 4 stars). 2 submissions from 2 submitters: Uncertain significance (2). Last evaluated 2023-03-26.

Conditions:
Cardiovascular phenotype. Identifiers: MedGen CN230736.
Dilated cardiomyopathy 1AA (CMD1AA). Also called: CARDIOMYOPATHY, DILATED, 1AA, WITH OR WITHOUT LEFT VENTRICULAR NONCOMPACTION; CARDIOMYOPATHY, FAMILIAL HYPERTROPHIC, 23, WITH OR WITHOUT LEFT VENTRICULAR NONCOMPACTION; Cardiomyopathy, dilated, 1AA, with or without LVNC. Identifiers: Orphanet 154, MedGen C2677338, MONDO:0012808, OMIM 612158.
Primary familial hypertrophic cardiomyopathy (HCM). Identifiers: Orphanet 99739, MedGen C0949658, MeSH D024741, MONDO:0024573. Inheritance: Various modes of inheritance.

Allele frequency attached by ClinVar (database versions not stated): gnomAD exomes below 0.00001.
gnomAD v4.1: 1 of 1,599,108 alleles (0.000063%); highest among the groups gnomAD compares: Non-Finnish European, 0.000085%; no homozygotes.

Submissions (2):

Labcorp Genetics (formerly Invitae), Labcorp
Classification: Uncertain significance for Primary familial hypertrophic cardiomyopathy; Dilated cardiomyopathy 1AA. Last evaluated: 2023-03-26. Review status: criteria provided, single submitter. Criteria: Invitae Variant Classification Sherloc (09022015). Collection method: clinical testing. Allele origin: germline.
Comment: This sequence change replaces tyrosine, which is neutral and polar, with cysteine, which is neutral and slightly polar, at codon 286 of the ACTN2 protein (p.Tyr286Cys). This variant is not present in population databases (gnomAD no frequency). This variant has not been reported in the literature in individuals affected with ACTN2-related conditions. ClinVar contains an entry for this variant (Variation ID: 1763902). Advanced modeling of protein sequence and biophysical properties (such as structural, functional, and spatial information, amino acid conservation, physicochemical variation, residue mobility, and thermodynamic stability) performed at Invitae indicates that this missense variant is expected to disrupt ACTN2 protein function. In summary, the available evidence is currently insufficient to determine the role of this variant in disease. Therefore, it has been classified as a Variant of Uncertain Significance.

Ambry Genetics
Classification: Uncertain significance for Cardiovascular phenotype. Last evaluated: 2021-01-28. Review status: criteria provided, single submitter. Criteria: Ambry Variant Classification Scheme 2023. Collection method: clinical testing. Allele origin: germline.
Comment: The p.Y286C variant (also known as c.857A>G), located in coding exon 9 of the ACTN2 gene, results from an A to G substitution at nucleotide position 857. The tyrosine at codon 286 is replaced by cysteine, an amino acid with highly dissimilar properties. This amino acid position is highly conserved in available vertebrate species. In addition, this alteration is predicted to be deleterious by in silico analysis. Since supporting evidence is limited at this time, the clinical significance of this alteration remains unclear.

NM_001103.4(ACTN2):c.857A>G (p.Tyr286Cys)

Gene: ACTN2 (actinin alpha 2; plus strand). Cytogenetic location: 1q43.
Variant type: single nucleotide variant.
Coding change: c.857A>G on transcript NM_001103.4 (MANE Select); coding-DNA position 857, A replaced by G.
Protein change: p.Tyr286Cys; replaces tyrosine 286 with cysteine.
Molecular consequence: missense variant.
Genome position (GRCh38, 1-based): chr1:236,737,195, A>G. VCF-style: chr1-236737195-A-G. GRCh37 (hg19) VCF-style: chr1-236900495-A-G.
Other names: c.857A>G, p.Tyr286Cys (NM_001278343.2); c.233A>G, p.Tyr78Cys (NM_001278344.2); c.107A>G, p.Tyr36Cys (NM_001412150.1); short protein forms Y78C, Y286C, Y36C.
Identifiers: ClinVar variation 1763902 (VCV001763902.7), dbSNP rs1658905465, ClinGen allele CA345379079.